The following is an entry in ClinVar:

ClinVar aggregate classification (germline): Uncertain significance (1 of 4 stars; one submission).

Submission:

Ambry Genetics
Classification: Uncertain significance. Last evaluated: 2025-06-10. Review status: criteria provided, single submitter. Criteria: Ambry Variant Classification Scheme 2023. Collection method: clinical testing. Allele origin: germline.
Comment: The p.P1682S variant (also known as c.5044C>T), located in coding exon 44 of the KIF1B gene, results from a C to T substitution at nucleotide position 5044. The proline at codon 1682 is replaced by serine, an amino acid with similar properties. This amino acid position is conserved. In addition, this alteration is predicted to be deleterious by in silico analysis. Based on the available evidence, the clinical significance of this variant remains unclear.

NM_001365951.3(KIF1B):c.5182C>T (p.Pro1728Ser)

Gene: KIF1B (kinesin family member 1B; plus strand). Cytogenetic location: 1p36.22.
Variant type: single nucleotide variant.
Coding change: c.5182C>T on transcript NM_001365951.3 (MANE Select); coding-DNA position 5182, C replaced by T.
Protein change: p.Pro1728Ser; replaces proline 1728 with serine.
Molecular consequence: missense variant.
Genome position (GRCh38, 1-based): chr1:10,374,939, C>T. VCF-style: chr1-10374939-C-T. GRCh37 (hg19) VCF-style: chr1-10434997-C-T.
Other names: c.5182C>T, p.Pro1728Ser (NM_001365952.1); c.5044C>T, p.Pro1682Ser (NM_015074.3); short protein forms P1682S, P1728S.
Identifiers: ClinVar variation 4043169 (VCV004043169.1).
Genomic context (GRCh38, chr1:10,374,939, plus strand): 5'-CTTCATTTCAAGGAGCCTCTTTACAGTAACTGGGCTAAACATTTTGTTGTCGTCCGTCGG[C>T]CTTATGTCTTCATCTATAACAGTGACAAAGACCCTGTGGAGCGTGGAATCATTAACCTGT-3'
Protein context (NP_001352880.1, residues 1718-1738): WAKHFVVVRR[Pro1728Ser]YVFIYNSDKD